The following is an entry in ClinVar:

NM_004006.3(DMD):c.8391-305A>T

Gene: DMD (dystrophin; minus strand). Cytogenetic location: Xp21.2.
Variant type: single nucleotide variant.
Coding change: c.8391-305A>T on transcript NM_004006.3 (MANE Select); 305 bases into the intron before coding-DNA position 8391, A replaced by T.
Molecular consequence: intron variant.
Genome position (GRCh38, 1-based): chrX:31,497,249, T>A on the plus strand (A>T on the coding strand, the complement: DMD is on the minus strand). VCF-style: chrX-31497249-T-A. GRCh37 (hg19) VCF-style: chrX-31515366-T-A.
Other names: c.8367-305A>T (NM_000109.4); c.4368-305A>T (NM_004011.4); c.4359-305A>T (NM_004012.4); c.1011-305A>T (NM_004023.3, NM_004020.4, NM_004022.3 and 2 more transcripts); c.204-305A>T (NM_004014.3); c.8379-305A>T (NM_004009.3); c.8022-305A>T (NM_004010.3); c.8391-305A>T (NM_004006.2).
Identifiers: ClinVar variation 2637520 (VCV002637520.3), dbSNP rs2525744746, ClinGen allele CA2695200169.

ClinVar aggregate classification (germline): Likely pathogenic. Review status: criteria provided, multiple submitters, no conflicts (2 of 4 stars). 2 submissions from 2 submitters: Likely pathogenic (2). Last evaluated 2025-03-21.

Conditions:
Neuromuscular disease caused by qualitative or quantitative defects of dystrophin. Also called: Qualitative or quantitative defects of dystrophin. Identifiers: Orphanet 207085, MedGen C5679787, MONDO:0016147.

Submissions (2):

Revvity Omics, Revvity
Classification: Likely pathogenic. Last evaluated: 2025-03-21. Review status: criteria provided, single submitter. Criteria: ACMG Guidelines, 2015. Collection method: clinical testing. Allele origin: germline.

Women's Health and Genetics/Laboratory Corporation of America, LabCorp
Classification: Likely pathogenic for Neuromuscular disease caused by qualitative or quantitative defects of dystrophin. Last evaluated: 2024-12-08. Review status: criteria provided, single submitter. Criteria: LabCorp Variant Classification Summary - May 2015. Collection method: clinical testing. Allele origin: germline.
Comment: Variant summary: DMD c.8391-305A>T alters a non-conserved nucleotide located in intron 56 at a position not widely known to affect splicing. Several computational tools predict a significant impact on normal splicing at position c.8391-301: One predicts the variant strengthens a cryptic intronic 3' splicing acceptor site. Two predict the variant creates a cryptic intronic 3' splicing acceptor site. One predicts the variant has no significant impact on splicing. Personal correspondence with a research laboratory revealed that this variant impacts splicing via an inclusion of an intron 56 pseudoexon resulting in a premature stop codon within the included pseudoexon. However, these predictions have yet to be confirmed by published functional studies or in a CLIA approved laboratory setting. The variant was absent in 21994 control chromosomes. The available data on variant occurrences in the general population are insufficient to allow any conclusion about variant significance. To our knowledge, no occurrence of c.8391-305A>T in individuals affected with Duchenne Muscular Dystrophy and no experimental evidence demonstrating its impact on protein function have been reported in the literature. However, at our laboratory, the variant segregated within a single family with multiple affected males and obligate carrier mothers as expected for an X-linked inheritance pattern. These data indicate that the variant is likely to be associated with disease. No submitters have cited clinical-significance assessments for this variant to ClinVar after 2014. Based on the evidence outlined above, pending corroboration of the RNA analysis in a CLIA approved setting, the variant was classified as likely pathogenic.